The following is an entry in ClinVar:

ClinVar aggregate classification (germline): Uncertain significance (1 of 4 stars; one submission).

Conditions:
Myoclonic dystonia 11 (DYT11). Also called: DYT-SGCE; Myoclonic dystonia; Dystonia 11; Dystonia, alcohol responsive; Hereditary essential myoclonus; SGCE Myoclonus-Dystonia. Identifiers: Orphanet 36899, MedGen C1834570, MONDO:0008044, OMIM 159900.

Submission:

Labcorp Genetics (formerly Invitae), Labcorp
Classification: Uncertain significance for Myoclonic dystonia 11. Last evaluated: 2022-07-25. Review status: criteria provided, single submitter. Criteria: Invitae Variant Classification Sherloc (09022015). Collection method: clinical testing. Allele origin: germline.
Comment: This variant, c.441_443del, results in the deletion of 1 amino acid(s) of the SGCE protein (p.Ile148del), but otherwise preserves the integrity of the reading frame. In summary, the available evidence is currently insufficient to determine the role of this variant in disease. Therefore, it has been classified as a Variant of Uncertain Significance. Experimental studies and prediction algorithms are not available or were not evaluated, and the functional significance of this variant is currently unknown. This variant has been observed in individual(s) with myoclonus dystonia (PMID: 32927286). It has also been observed to segregate with disease in related individuals. This variant is not present in population databases (gnomAD no frequency).

Literature cited by the submitters: PubMed 32927286.

NM_003919.3(SGCE):c.441_443del (p.Ile148del)

Genes: CASD1 (CAS1 domain sialic acid O acetyltransferase 1; plus strand), SGCE (sarcoglycan epsilon; minus strand). Cytogenetic location: 7q21.3.
Variant type: Deletion.
Coding change: c.441_443del on transcript NM_003919.3 (MANE Select); coding-DNA positions 441 to 443, 3 bases deleted (AAT; older notation c.441_443delAAT).
Protein change: p.Ile148del; deletes isoleucine 148.
Molecular consequence: inframe deletion.
Genome position (GRCh38, 1-based): chr7:94,623,345-94,623,347, ATT deleted on the plus strand (AAT on the coding strand, the reverse complement: SGCE is on the minus strand); deleting any 3 consecutive bases within chr7:94,623,345-94,623,349 gives the same sequence; the c. name uses the placement nearest the transcript's 3' end. VCF-style (leftmost placement, unchanged base first): chr7-94623344-AATT-A. GRCh37 (hg19) VCF-style: chr7-94252656-AATT-A.
Other names: c.441_443del, p.Ile148del (NM_001099400.2, NM_001099401.2, NM_001346717.2); c.318_320del, p.Ile107del (NM_001301139.2, NM_001362809.2); c.549_551del, p.Ile184del (NM_001346713.2, NM_001346715.2); c.354_356del, p.Ile119del (NM_001346719.2, NM_001362807.2); c.168_170del, p.Ile57del (NM_001346720.2, NM_001362808.2); short protein forms I107del, I148del, I57del, I119del, I184del.
Identifiers: ClinVar variation 2098444 (VCV002098444.4), dbSNP rs2485134515, ClinGen allele CA2580077872.